The following is an entry in ClinVar:

NM_003183.6(ADAM17):c.194A>G (p.His65Arg)

Gene: ADAM17 (ADAM metallopeptidase domain 17; minus strand). Cytogenetic location: 2p25.1.
Variant type: single nucleotide variant.
Coding change: c.194A>G on transcript NM_003183.6 (MANE Select); coding-DNA position 194, A replaced by G.
Protein change: p.His65Arg; replaces histidine 65 with arginine.
Molecular consequence: missense variant. On other transcripts: 5 prime UTR variant (2).
Genome position (GRCh38, 1-based): chr2:9,543,189, T>C on the plus strand (A>G on the coding strand, the complement: ADAM17 is on the minus strand). VCF-style: chr2-9543189-T-C. GRCh37 (hg19) VCF-style: chr2-9683318-T-C.
Other names: c.-487A>G (NM_001382777.1); c.-729A>G (NM_001382778.1); short protein forms H65R.
Identifiers: ClinVar variation 1494759 (VCV001494759.6), dbSNP rs774425802, ClinGen allele CA1523845.

ClinVar aggregate classification (germline): Uncertain significance (1 of 4 stars; one submission).

Conditions:
Inflammatory skin and bowel disease, neonatal, 1. Identifiers: Orphanet 294023, MedGen C3280501, MONDO:0013693, OMIM 614328.

Allele frequency attached by ClinVar (database versions not stated): gnomAD exomes below 0.00001 and 0.00002; ExAC 0.00001; gnomAD 0.00001; TOPMed 0.00002.
gnomAD v4.1: 24 of 1,605,704 alleles (0.0015%); highest among the groups gnomAD compares: African/African-American, 0.0054%; no homozygotes.

Submission:

Labcorp Genetics (formerly Invitae), Labcorp
Classification: Uncertain significance for Inflammatory skin and bowel disease, neonatal, 1. Last evaluated: 2021-02-14. Review status: criteria provided, single submitter. Criteria: Invitae Variant Classification Sherloc (09022015). Collection method: clinical testing. Allele origin: germline.
Comment: In summary, the available evidence is currently insufficient to determine the role of this variant in disease. Therefore, it has been classified as a Variant of Uncertain Significance. Algorithms developed to predict the effect of missense changes on protein structure and function output the following: SIFT: "Not Available"; PolyPhen-2: "Benign"; Align-GVGD: "Not Available". The arginine amino acid residue is found in multiple mammalian species, suggesting that this missense change does not adversely affect protein function. These predictions have not been confirmed by published functional studies and their clinical significance is uncertain. This variant has not been reported in the literature in individuals with ADAM17-related conditions. This variant is present in population databases (rs774425802, ExAC 0.002%). This sequence change replaces histidine with arginine at codon 65 of the ADAM17 protein (p.His65Arg). The histidine residue is moderately conserved and there is a small physicochemical difference between histidine and arginine.